The following is an entry in ClinVar:

ClinVar aggregate classification (germline): Likely pathogenic. Review status: criteria provided, multiple submitters, no conflicts (2 of 4 stars). 3 submissions from 3 submitters: Likely pathogenic (3). Last evaluated 2026-07-21.

Conditions:
Hereditary cancer-predisposing syndrome. Also called: Tumor predisposition; Neoplastic Syndromes, Hereditary; Hereditary Cancer Syndrome; Hereditary neoplastic syndrome. Identifiers: Orphanet 140162, MedGen C0027672, MeSH D009386, MONDO:0015356.
Familial cancer of breast. Also called: Hereditary breast cancer; BREAST CANCER, FAMILIAL; hereditary breast carcinoma. Identifiers: Orphanet 227535, MedGen C0346153, MONDO:0016419, OMIM 114480. Disease mechanism: loss of function.
Fanconi anemia complementation group J. Also called: BRIP1-Related Fanconi Anemia. Identifiers: Orphanet 84, MedGen C1836860, MONDO:0012187, OMIM 609054.
Familial ovarian cancer. Identifiers: MedGen C5679802, MONDO:0016248.

Submissions (3):

Myriad Genetics, Inc.
Classification: Likely pathogenic for Familial ovarian cancer. Last evaluated: 2026-07-21. Review status: criteria provided, single submitter. Criteria: Myriad Autosomal Dominant, Autosomal Recessive and X-Linked Classification Criteria (2023). Collection method: clinical testing. Allele origin: unknown.
Comment: This variant is considered likely pathogenic. This variant occurs within a consensus splice junction and is predicted to result in abnormal mRNA splicing of either an out-of-frame exon or an in-frame exon necessary for protein stability and/or normal function.

Labcorp Genetics (formerly Invitae), Labcorp
Classification: Likely pathogenic for Familial cancer of breast; Fanconi anemia complementation group J. Last evaluated: 2024-12-31. Review status: criteria provided, single submitter. Criteria: Invitae Variant Classification Sherloc (09022015). Collection method: clinical testing. Allele origin: germline.
Comment: This variant results in the deletion of part of exon 7 (c.628-5_629del) of the BRIP1 gene. RNA analysis indicates that this variant induces altered splicing and may result in an absent or altered protein product. This variant is not present in population databases (gnomAD no frequency). This variant has not been reported in the literature in individuals affected with BRIP1-related conditions. ClinVar contains an entry for this variant (Variation ID: 483193). Studies have shown that this variant results in activation of a cryptic splice site, and produces a non-functional protein and/or introduces a premature termination codon (internal data). In summary, the currently available evidence indicates that the variant is pathogenic, but additional data are needed to prove that conclusively. Therefore, this variant has been classified as Likely Pathogenic.

Ambry Genetics
Classification: Likely pathogenic for Hereditary cancer-predisposing syndrome. Last evaluated: 2023-05-03. Review status: criteria provided, single submitter. Criteria: Ambry Variant Classification Scheme 2023. Collection method: clinical testing. Allele origin: germline.
Comment: The c.628-5_629delTACAGCC intronic variant results from a deletion of 7 nucleotides at positions c.628-5 to c.629, spanning the acceptor splice site of coding exon 6 of the BRIP1 gene. This variant is considered to be rare based on population cohorts in the Genome Aggregation Database (gnomAD). The nucleotide positions of the acceptor splice site are highly conserved in available vertebrate species. In silico splice site analysis predicts that this alteration will weaken the native splice acceptor site and will result in the creation or strengthening of a novel splice acceptor site. Alterations that disrupt the canonical splice site are expected to cause aberrant splicing, resulting in an abnormal protein or a transcript that is subject to nonsense-mediated mRNA decay. As such, this alteration is classified as likely pathogenic.

NM_032043.3(BRIP1):c.628-5_629del

Gene: BRIP1 (BRCA1 interacting DNA helicase 1; minus strand). Cytogenetic location: 17q23.2.
Variant type: Deletion.
Coding change: c.628-5_629del on transcript NM_032043.3 (MANE Select); 5 bases into the intron before coding-DNA position 628 through coding-DNA position 629, 7 bases deleted (TACAGCC; older notation c.628-5_629delTACAGCC).
Molecular consequence: splice acceptor variant.
Genome position (GRCh38, 1-based): chr17:61,808,756-61,808,762, GGCTGTA deleted on the plus strand (TACAGCC on the coding strand, the reverse complement: BRIP1 is on the minus strand). VCF-style (leftmost placement, unchanged base first): chr17-61808755-GGGCTGTA-G. GRCh37 (hg19) VCF-style: chr17-59886116-GGGCTGTA-G.
Other names: c.628-5_629delTACAGCC (NM_032043.2).
Identifiers: ClinVar variation 483193 (VCV000483193.14), dbSNP rs1555609402, ClinGen allele CA658658682.